The following is an entry in ClinVar:

NM_001040716.2(PC):c.1524G>A (p.Met508Ile)

Gene: PC (pyruvate carboxylase; minus strand). Cytogenetic location: 11q13.2.
Variant type: single nucleotide variant.
Coding change: c.1524G>A on transcript NM_001040716.2 (MANE Select); coding-DNA position 1524, G replaced by A.
Protein change: p.Met508Ile; replaces methionine 508 with isoleucine.
Molecular consequence: missense variant.
Genome position (GRCh38, 1-based): chr11:66,852,826, C>T on the plus strand (G>A on the coding strand, the complement: PC is on the minus strand). VCF-style: chr11-66852826-C-T. GRCh37 (hg19) VCF-style: chr11-66620297-C-T.
Other names: c.1524G>A, p.Met508Ile (NM_000920.4, NM_022172.3); c.1524G>A (NM_000920.3); short protein forms M508I.
Identifiers: ClinVar variation 1020939 (VCV001020939.3), dbSNP rs765499560, ClinGen allele CA6131344.

ClinVar aggregate classification (germline): Uncertain significance. Review status: criteria provided, multiple submitters, no conflicts (2 of 4 stars). 2 submissions from 2 submitters: Uncertain significance (2). Last evaluated 2025-09-28.

Conditions:
Pyruvate carboxylase deficiency. Also called: ATAXIA WITH LACTIC ACIDOSIS II; Pyruvate Carboxylase Deficiency Disease; LEIGH NECROTIZING ENCEPHALOPATHY DUE TO PYRUVATE CARBOXYLASE DEFICIENCY; LEIGH SYNDROME DUE TO PYRUVATE CARBOXYLASE DEFICIENCY; PC DEFICIENCY. Identifiers: Orphanet 3008, MedGen C0034341, MONDO:0009949, OMIM 266150.
Inborn genetic diseases. Identifiers: MedGen C0950123, MeSH D030342.

Allele frequency attached by ClinVar (database versions not stated): TOPMed below 0.00001; ExAC 0.00001; gnomAD 0.00001; gnomAD exomes 0.00001.
gnomAD v4.1: 17 of 1,571,178 alleles (0.0011%); highest among the groups gnomAD compares: Non-Finnish European, 0.0014%; no homozygotes.

Submissions (2):

Ambry Genetics
Classification: Uncertain significance for Inborn genetic diseases. Last evaluated: 2025-09-28. Review status: criteria provided, single submitter. Criteria: Ambry Variant Classification Scheme 2023. Collection method: clinical testing. Allele origin: germline.

Labcorp Genetics (formerly Invitae), Labcorp
Classification: Uncertain significance for Pyruvate carboxylase deficiency. Last evaluated: 2021-08-31. Review status: criteria provided, single submitter. Criteria: Invitae Variant Classification Sherloc (09022015). Collection method: clinical testing. Allele origin: germline.
Comment: This sequence change replaces methionine with isoleucine at codon 508 of the PC protein (p.Met508Ile). The methionine residue is moderately conserved and there is a small physicochemical difference between methionine and isoleucine. This variant is present in population databases (rs765499560, ExAC 0.002%). This variant has not been reported in the literature in individuals affected with PC-related conditions. Algorithms developed to predict the effect of missense changes on protein structure and function (SIFT, PolyPhen-2, Align-GVGD) all suggest that this variant is likely to be tolerated. In summary, the available evidence is currently insufficient to determine the role of this variant in disease. Therefore, it has been classified as a Variant of Uncertain Significance.